The following is an entry in ClinVar:

NM_014822.4(SEC24D):c.700G>A (p.Ala234Thr)

Gene: SEC24D (SEC24 homolog D, COPII component; minus strand). Cytogenetic location: 4q26.
Variant type: single nucleotide variant.
Coding change: c.700G>A on transcript NM_014822.4 (MANE Select); coding-DNA position 700, G replaced by A.
Protein change: p.Ala234Thr; replaces alanine 234 with threonine.
Molecular consequence: missense variant.
Genome position (GRCh38, 1-based): chr4:118,815,129, C>T on the plus strand (G>A on the coding strand, the complement: SEC24D is on the minus strand). VCF-style: chr4-118815129-C-T. GRCh37 (hg19) VCF-style: chr4-119736284-C-T.
Other names: p.Ala234Thr; c.703G>A, p.Ala235Thr (NM_001318066.2); short protein forms A235T, A234T.
Identifiers: ClinVar variation 786518 (VCV000786518.14), dbSNP rs73842254, ClinGen allele CA3057468.

ClinVar aggregate classification (germline): Benign/Likely benign. Review status: criteria provided, multiple submitters, no conflicts (2 of 4 stars). 5 submissions from 5 submitters: Benign (2); Likely benign (3). Last evaluated 2026-01-26.

Conditions:
Cole-Carpenter syndrome 2 (CLCRP2). Identifiers: Orphanet 2050, MedGen C4225382, MONDO:0014573, OMIM 616294.

Allele frequency attached by ClinVar (database versions not stated): 1000 Genomes Project 0.00379; 1000 Genomes Project 30x 0.00453; gnomAD 0.00315; TOPMed 0.00330; ESP Exome Variant Server 0.00369.
gnomAD v4.1: 942 of 1,614,062 alleles (0.058%); highest among the groups gnomAD compares: African/African-American, 1.1%; 3 homozygotes.

Submissions (5):

Labcorp Genetics (formerly Invitae), Labcorp
Classification: Benign. Last evaluated: 2026-01-26. Review status: criteria provided, single submitter. Criteria: Invitae Variant Classification Sherloc (09022015). Collection method: clinical testing. Allele origin: germline.

Mayo Clinic Laboratories, Mayo Clinic
Classification: Benign. Last evaluated: 2025-02-26. Review status: criteria provided, single submitter. Criteria: ACMG Guidelines, 2015. Collection method: clinical testing. Allele origin: germline. Observed: 1 variant allele.
Comment: BA1, BP4_strong

ARUP Laboratories, Molecular Genetics and Genomics, ARUP Laboratories
Classification: Likely benign for Cole-Carpenter syndrome 2. Last evaluated: 2024-07-23. Review status: criteria provided, single submitter. Criteria: ARUP Molecular Germline Variant Investigation Process 2024. Collection method: clinical testing. Allele origin: germline.

GeneDx
Classification: Likely benign. Last evaluated: 2021-06-20. Review status: criteria provided, single submitter. Criteria: GeneDx Variant Classification Process June 2021. Collection method: clinical testing. Allele origin: germline. Affected: yes.

Breakthrough Genomics
Classification: Likely benign. Review status: criteria provided, single submitter. Criteria: ACMG Guidelines, 2015. Collection method: not provided. Allele origin: germline. Inheritance: Autosomal recessive inheritance. Affected: yes.